The following is an entry in ClinVar:

ClinVar aggregate classification (germline): Likely benign (1 of 4 stars; one submission).

Submission:

CeGaT Center for Human Genetics Tuebingen
Classification: Likely benign. Last evaluated: 2026-07-01. Review status: criteria provided, single submitter. Criteria: CeGaT Center For Human Genetics Tuebingen Variant Classification Criteria Version 2. Collection method: clinical testing. Allele origin: germline. Affected: yes. Observed: 1 variant allele.
Comment: KIF26A: BP4, BP7

NM_015656.2(KIF26A):c.5025C>T (p.Ser1675=)

Gene: KIF26A (kinesin family member 26A; plus strand). Cytogenetic location: 14q32.33.
Variant type: single nucleotide variant.
Coding change: c.5025C>T on transcript NM_015656.2 (MANE Select); coding-DNA position 5025, C replaced by T.
Protein change: p.Ser1675=; no amino-acid change (serine 1675 retained).
Molecular consequence: synonymous variant.
Genome position (GRCh38, 1-based): chr14:104,177,813, C>T. VCF-style: chr14-104177813-C-T. GRCh37 (hg19) VCF-style: chr14-104644150-C-T.
Identifiers: ClinVar variation 5039423 (VCV005039423.1).